The following is an entry in ClinVar:

ClinVar aggregate classification (germline): Uncertain significance. Review status: criteria provided, multiple submitters, no conflicts (2 of 4 stars). 2 submissions from 2 submitters: Uncertain significance (2). Last evaluated 2024-03-26.

Conditions:
PODXL-related disorder. Also called: PODXL-related condition.

Allele frequency attached by ClinVar (database versions not stated): gnomAD 0.00001; gnomAD exomes 0.00001; TOPMed 0.00001; ExAC 0.00004.
gnomAD v4.1: 20 of 1,613,806 alleles (0.0012%); highest among the groups gnomAD compares: South Asian, 0.016%; 1 homozygote.

Submissions (2):

Labcorp Genetics (formerly Invitae), Labcorp
Classification: Uncertain significance. Last evaluated: 2024-03-26. Review status: criteria provided, single submitter. Criteria: Invitae Variant Classification Sherloc (09022015). Collection method: clinical testing. Allele origin: germline.
Comment: This sequence change replaces serine, which is neutral and polar, with leucine, which is neutral and non-polar, at codon 77 of the PODXL protein (p.Ser77Leu). This variant is present in population databases (rs778456078, gnomAD 0.01%). This variant has not been reported in the literature in individuals affected with PODXL-related conditions. ClinVar contains an entry for this variant (Variation ID: 2635821). Algorithms developed to predict the effect of missense changes on protein structure and function output the following: SIFT: "Not Available"; PolyPhen-2: "Benign"; Align-GVGD: "Not Available". The leucine amino acid residue is found in multiple mammalian species, which suggests that this missense change does not adversely affect protein function. In summary, the available evidence is currently insufficient to determine the role of this variant in disease. Therefore, it has been classified as a Variant of Uncertain Significance.

PreventionGenetics, part of Exact Sciences
Classification: Uncertain significance for PODXL-related condition. Last evaluated: 2023-09-21. Review status: criteria provided, single submitter. Criteria: ACMG Guidelines, 2015. Collection method: clinical testing. Allele origin: germline.
Comment: The PODXL c.230C>T variant is predicted to result in the amino acid substitution p.Ser77Leu. To our knowledge, this variant has not been reported in the literature. This variant is reported in 0.013% of alleles in individuals of South Asian descent in gnomAD. At this time, the clinical significance of this variant is uncertain due to the absence of conclusive functional and genetic evidence.

NM_001018111.3(PODXL):c.230C>T (p.Ser77Leu)

Gene: PODXL (podocalyxin like; minus strand). Cytogenetic location: 7q32.3.
Variant type: single nucleotide variant.
Coding change: c.230C>T on transcript NM_001018111.3 (MANE Select); coding-DNA position 230, C replaced by T.
Protein change: p.Ser77Leu; replaces serine 77 with leucine.
Molecular consequence: missense variant.
Genome position (GRCh38, 1-based): chr7:131,511,304, G>A on the plus strand (C>T on the coding strand, the complement: PODXL is on the minus strand). VCF-style: chr7-131511304-G-A. GRCh37 (hg19) VCF-style: chr7-131196063-G-A.
Other names: c.230C>T, p.Ser77Leu (NM_005397.4); short protein forms S77L.
Identifiers: ClinVar variation 2635821 (VCV002635821.3), dbSNP rs778456078, ClinGen allele CA4488745.